The following is an entry in ClinVar:

NM_005751.5(AKAP9):c.5477T>G (p.Val1826Gly)

Gene: AKAP9 (A-kinase anchoring protein 9; plus strand). Cytogenetic location: 7q21.2.
Variant type: single nucleotide variant.
Coding change: c.5477T>G on transcript NM_005751.5 (MANE Select); coding-DNA position 5477, T replaced by G.
Protein change: p.Val1826Gly; replaces valine 1826 with glycine.
Molecular consequence: missense variant.
Genome position (GRCh38, 1-based): chr7:92,052,834, T>G. VCF-style: chr7-92052834-T-G. GRCh37 (hg19) VCF-style: chr7-91682148-T-G.
Other names: c.5477T>G, p.Val1826Gly (NM_147185.3); short protein forms V1826G.
Identifiers: ClinVar variation 1747769 (VCV001747769.2), dbSNP rs1808210864, ClinGen allele CA368131154.

ClinVar aggregate classification (germline): Uncertain significance (1 of 4 stars; one submission).

Conditions:
Cardiovascular phenotype. Identifiers: MedGen CN230736.

Allele frequency attached by ClinVar (database versions not stated): TOPMed below 0.00001.

Submission:

Ambry Genetics
Classification: Uncertain significance for Cardiovascular phenotype. Last evaluated: 2021-06-18. Review status: criteria provided, single submitter. Criteria: Ambry Variant Classification Scheme 2023. Collection method: clinical testing. Allele origin: germline.
Comment: The p.V1826G variant (also known as c.5477T>G), located in coding exon 22 of the AKAP9 gene, results from a T to G substitution at nucleotide position 5477. The valine at codon 1826 is replaced by glycine, an amino acid with dissimilar properties. This amino acid position is poorly conserved in available vertebrate species. In addition, this alteration is predicted to be tolerated by in silico analysis. Since supporting evidence is limited at this time, the clinical significance of this alteration remains unclear.